The following is an entry in ClinVar:

NM_005045.4(RELN):c.4118T>A (p.Ile1373Asn)

Gene: RELN (reelin; minus strand). Cytogenetic location: 7q22.1.
Variant type: single nucleotide variant.
Coding change: c.4118T>A on transcript NM_005045.4 (MANE Select); coding-DNA position 4118, T replaced by A.
Protein change: p.Ile1373Asn; replaces isoleucine 1373 with asparagine.
Molecular consequence: missense variant.
Genome position (GRCh38, 1-based): chr7:103,589,623, A>T on the plus strand (T>A on the coding strand, the complement: RELN is on the minus strand). VCF-style: chr7-103589623-A-T. GRCh37 (hg19) VCF-style: chr7-103230070-A-T.
Other names: c.4118T>A, p.Ile1373Asn (NM_173054.3); short protein forms I1373N.
Identifiers: ClinVar variation 1401216 (VCV001401216.8), dbSNP rs529801155, ClinGen allele CA4421602.
Genomic context (GRCh38, chr7:103,589,623, plus strand): 5'-ATGGCCCAAACCCATTAAGAATGATTACTTTACCTGGATGCAAGAGACCTTGGAATAACA[A>T]TGGTGATTCTTGTCCATTCTTCAAAGTCCCCTGTGTGATACATGGTGGGCTCACTTAGTT-3'
Protein context (NP_005036.2, residues 1363-1383): GDFEEWTRIT[Ile1373Asn]VIPRSLASSK

ClinVar aggregate classification (germline): Uncertain significance (1 of 4 stars; one submission).

Conditions:
Norman-Roberts syndrome (LIS2). Also called: Lissencephaly 2 (Norman-Roberts type). Identifiers: Orphanet 89844, MedGen C0796089, MONDO:0009760, OMIM 257320.
Familial temporal lobe epilepsy 7. Identifiers: Orphanet 101046, MedGen C4225327, MONDO:0014639, OMIM 616436.

Allele frequency attached by ClinVar (database versions not stated): gnomAD exomes below 0.00001; ExAC 0.00001; gnomAD 0.00001; 1000 Genomes Project 30x 0.00016; 1000 Genomes Project 0.00020.
gnomAD v4.1: 6 of 1,613,592 alleles (0.00037%); highest among the groups gnomAD compares: Admixed American, 0.005%; no homozygotes.

Submission:

Labcorp Genetics (formerly Invitae), Labcorp
Classification: Uncertain significance for Familial temporal lobe epilepsy 7; Norman-Roberts syndrome. Last evaluated: 2025-03-06. Review status: criteria provided, single submitter. Criteria: Invitae Variant Classification Sherloc (09022015). Collection method: clinical testing. Allele origin: germline.
Comment: This sequence change replaces isoleucine, which is neutral and non-polar, with asparagine, which is neutral and polar, at codon 1373 of the RELN protein (p.Ile1373Asn). This variant is present in population databases (rs529801155, gnomAD 0.003%). This variant has not been reported in the literature in individuals affected with RELN-related conditions. ClinVar contains an entry for this variant (Variation ID: 1401216). Invitae Evidence Modeling of protein sequence and biophysical properties (such as structural, functional, and spatial information, amino acid conservation, physicochemical variation, residue mobility, and thermodynamic stability) indicates that this missense variant is not expected to disrupt RELN protein function with a negative predictive value of 80%. In summary, the available evidence is currently insufficient to determine the role of this variant in disease. Therefore, it has been classified as a Variant of Uncertain Significance.